The following is an entry in ClinVar:

ClinVar aggregate classification (germline): Benign/Likely benign. Review status: criteria provided, multiple submitters, no conflicts (2 of 4 stars). 2 submissions from 2 submitters: Benign (1); Likely benign (1). Last evaluated 2024-08-21.

Conditions:
Hereditary cancer-predisposing syndrome. Also called: Hereditary Cancer Syndrome; Hereditary neoplastic syndrome; Neoplastic Syndromes, Hereditary; Tumor predisposition. Identifiers: Orphanet 140162, MedGen C0027672, MeSH D009386, MONDO:0015356.
Familial cancer of breast. Also called: Hereditary breast cancer; BREAST CANCER, FAMILIAL; hereditary breast carcinoma. Identifiers: Orphanet 227535, MedGen C0346153, MONDO:0016419, OMIM 114480. Disease mechanism: loss of function.

Submissions (2):

Myriad Genetics, Inc.
Classification: Benign for Familial cancer of breast. Last evaluated: 2024-08-21. Review status: criteria provided, single submitter. Criteria: Myriad Autosomal Dominant, Autosomal Recessive and X-Linked Classification Criteria (2023). Collection method: clinical testing. Allele origin: unknown.
Comment: This variant is considered benign. This variant is a silent/synonymous amino acid change and it is not expected to impact splicing.

Ambry Genetics
Classification: Likely benign for Hereditary cancer-predisposing syndrome. Last evaluated: 2021-10-07. Review status: criteria provided, single submitter. Criteria: Ambry Variant Classification Scheme 2023. Collection method: clinical testing. Allele origin: germline.

NM_032043.3(BRIP1):c.474G>A (p.Lys158=)

Gene: BRIP1 (BRCA1 interacting DNA helicase 1; minus strand). Cytogenetic location: 17q23.2.
Variant type: single nucleotide variant.
Coding change: c.474G>A on transcript NM_032043.3 (MANE Select); coding-DNA position 474, G replaced by A.
Protein change: p.Lys158=; no amino-acid change (lysine 158 retained).
Molecular consequence: synonymous variant.
Genome position (GRCh38, 1-based): chr17:61,849,162, C>T on the plus strand (G>A on the coding strand, the complement: BRIP1 is on the minus strand). VCF-style: chr17-61849162-C-T. GRCh37 (hg19) VCF-style: chr17-59926523-C-T.
Identifiers: ClinVar variation 1742832 (VCV001742832.3), dbSNP rs1603362578, ClinGen allele CA501150880.
Genomic context (GRCh38, chr17:61,849,162, plus strand): 5'-TATTTACTGCCAATAAACTCTGTTTACCTGCTGTGTAGTTTCTAAGGGTCGAATTCTTTT[C>T]TTCTCTACTTGAAAATCATCATTTTCATCTCTGTATATGGATGCCTGTTTCTTAGCAGAT-3'
Protein context (NP_114432.2, residues 148-168): RDENDDFQVE[Lys158=]KRIRPLETTQ